The following is an entry in ClinVar:

NM_006121.4(KRT1):c.584T>A (p.Ile195Asn)

Gene: KRT1 (keratin 1; minus strand). Cytogenetic location: 12q13.13.
Variant type: single nucleotide variant.
Coding change: c.584T>A on transcript NM_006121.4 (MANE Select); coding-DNA position 584, T replaced by A.
Protein change: p.Ile195Asn; replaces isoleucine 195 with asparagine.
Molecular consequence: missense variant.
Genome position (GRCh38, 1-based): chr12:52,679,765, A>T on the plus strand (T>A on the coding strand, the complement: KRT1 is on the minus strand). VCF-style: chr12-52679765-A-T. GRCh37 (hg19) VCF-style: chr12-53073549-A-T.
Other names: short protein forms I195N.
Identifiers: ClinVar variation 2098673 (VCV002098673.5), dbSNP rs2498637666, ClinGen allele CA384974715.
Genomic context (GRCh38, chr12:52,679,765, plus strand): 5'-AATCCCAAGTGGACCAGCGGCAGCCCTACCAGTGCAATGAGAGAGAAACTCACCTTGTCA[A>T]TGAAGGAGGCAAATTGGTTGTTGAGTGACTTGATTTGCTCCCTTTCTCGAGACTTCACCT-3'
Protein context (NP_006112.3, residues 185-205): KSLNNQFASF[Ile195Asn]DKVRFLEQQN

ClinVar aggregate classification (germline): Pathogenic/Likely pathogenic. Review status: criteria provided, multiple submitters, no conflicts (2 of 4 stars). 2 submissions from 2 submitters: Pathogenic (1); Likely pathogenic (1). Last evaluated 2024-05-02.

Conditions:
KRT1-related disorder. Also called: KRT1-related condition.

Submissions (2):

Blueprint Genetics
Classification: Likely pathogenic for KRT1-related disorders. Last evaluated: 2024-05-02. Review status: criteria provided, single submitter. Criteria: ACMG Guidelines, 2015. Collection method: clinical testing. Allele origin: germline. Affected: yes. Observed: 1 variant allele.

Labcorp Genetics (formerly Invitae), Labcorp
Classification: Pathogenic. Last evaluated: 2024-02-14. Review status: criteria provided, single submitter. Criteria: Invitae Variant Classification Sherloc (09022015). Collection method: clinical testing. Allele origin: germline.
Comment: This sequence change replaces isoleucine, which is neutral and non-polar, with asparagine, which is neutral and polar, at codon 195 of the KRT1 protein (p.Ile195Asn). This variant is not present in population databases (gnomAD no frequency). This missense change has been observed in individual(s) with KRT1 related conditions (Invitae). In at least one individual the variant was observed to be de novo. ClinVar contains an entry for this variant (Variation ID: 2098673). Advanced modeling of protein sequence and biophysical properties (such as structural, functional, and spatial information, amino acid conservation, physicochemical variation, residue mobility, and thermodynamic stability) performed at Invitae indicates that this missense variant is expected to disrupt KRT1 protein function with a positive predictive value of 95%. For these reasons, this variant has been classified as Pathogenic.